The following is an entry in ClinVar:

NM_021076.4(NEFH):c.1492GAA[2] (p.Glu500del)

Gene: NEFH (neurofilament heavy chain; plus strand). Cytogenetic location: 22q12.2.
Variant type: Microsatellite.
Coding change: c.1492GAA[2] on transcript NM_021076.4 (MANE Select); two copies in a row of the 3-base unit GAA starting at c.1492; the reference has three copies in a row; one copy, 3 bases deleted.
Protein change: p.Glu500del; deletes glutamic acid 500.
Molecular consequence: inframe deletion.
Genome position (GRCh38, 1-based): chr22:29,489,138-29,489,140, GAA deleted; deleting any 3 consecutive bases within chr22:29,489,131-29,489,140 gives the same sequence; the position shown is the placement nearest the transcript's 3' end. VCF-style (leftmost placement, unchanged base first): chr22-29489130-GAGA-G. GRCh37 (hg19) VCF-style: chr22-29885119-GAGA-G.
Other names: short protein forms E500del.
Identifiers: ClinVar variation 1917030 (VCV001917030.5), dbSNP rs946863869, ClinGen allele CA323087675.
Genomic context (GRCh38, chr22:29,489,130, plus strand): 5'-AGGCCAAAGAGGAGGAGGGCAAGGAGGAAGAAGGGGGTGAAGAAGAGGAGGCAGAAGGGG[GAGA>G]AGAAGAAACAAAGTCTCCCCCAGCAGAAGAGGCTGCATCCCCAGAGAAGGAAGCCAAGTC-3'

ClinVar aggregate classification (germline): Uncertain significance (1 of 4 stars; one submission).

Submission:

Labcorp Genetics (formerly Invitae), Labcorp
Classification: Uncertain significance. Last evaluated: 2021-12-23. Review status: criteria provided, single submitter. Criteria: Invitae Variant Classification Sherloc (09022015). Collection method: clinical testing. Allele origin: germline.
Comment: This variant, c.1498_1500del, results in the deletion of 1 amino acid(s) of the NEFH protein (p.Glu500del), but otherwise preserves the integrity of the reading frame. This variant is not present in population databases (gnomAD no frequency). This variant has not been reported in the literature in individuals affected with NEFH-related conditions. Experimental studies and prediction algorithms are not available or were not evaluated, and the functional significance of this variant is currently unknown. In summary, the available evidence is currently insufficient to determine the role of this variant in disease. Therefore, it has been classified as a Variant of Uncertain Significance.